The following is an entry in ClinVar:

ClinVar aggregate classification (germline): Likely pathogenic (1 of 4 stars; one submission).

Conditions:
Familial hypokalemia-hypomagnesemia (GTLMNS). Also called: gitelman syndrome; HYPOMAGNESEMIA-HYPOKALEMIA, PRIMARY RENOTUBULAR, WITH HYPOCALCIURIA; POTASSIUM AND MAGNESIUM DEPLETION. Identifiers: Orphanet 358, MedGen C0268450, MONDO:0009904, OMIM 263800.

Submission:

Johns Hopkins Genomics, Johns Hopkins University
Classification: Likely pathogenic for Familial hypokalemia-hypomagnesemia. Last evaluated: 2021-12-01. Review status: criteria provided, single submitter. Criteria: ACMG Guidelines, 2015. Collection method: clinical testing. Allele origin: germline.
Comment: SLC12A3 c.2938G>A has been reported in multiple individuals with Gitelman syndrome. Functional studies suggest that this substitution alters SLC12A3 protein localization in cells. This variant (rs34803727) is rare (<0.1%) in a large population dataset (gnomAD: 17/282386 total alleles; 0.006%; no homozygotes) and has been reported in ClinVar (Variation ID: 586605). We consider SLC12A3 c.2938G>A to be likely pathogenic.

Literature cited by the submitters: PubMed 12039972; PubMed 12112667; PubMed 12704198; PubMed 22679066; PubMed 23328711.

NM_001126108.2(SLC12A3):c.2911G>A (p.Ala971Thr)

Gene: SLC12A3 (solute carrier family 12 member 3; plus strand). Cytogenetic location: 16q13.
Variant type: single nucleotide variant.
Coding change: c.2911G>A on transcript NM_001126108.2 (MANE Select); coding-DNA position 2911, G replaced by A.
Protein change: p.Ala971Thr; replaces alanine 971 with threonine.
Molecular consequence: missense variant.
Genome position (GRCh38, 1-based): chr16:56,904,449, G>A. VCF-style: chr16-56904449-G-A. GRCh37 (hg19) VCF-style: chr16-56938361-G-A.
Other names: c.2938G>A, p.Ala980Thr (NM_000339.3); c.2935G>A, p.Ala979Thr (NM_001126107.2); short protein forms A971T, A979T, A980T.
Identifiers: ClinVar variation 1331704 (VCV001331704.1), dbSNP rs2144772485, ClinGen allele CA396002528.